The following is an entry in ClinVar:

NM_014806.5(RUSC2):c.3330C>T (p.Leu1110=)

Gene: RUSC2 (RUN and SH3 domain containing 2; plus strand). Cytogenetic location: 9p13.3.
Variant type: single nucleotide variant.
Coding change: c.3330C>T on transcript NM_014806.5 (MANE Select); coding-DNA position 3330, C replaced by T.
Protein change: p.Leu1110=; no amino-acid change (leucine 1110 retained).
Molecular consequence: synonymous variant. On other transcripts: non-coding transcript variant (1).
Genome position (GRCh38, 1-based): chr9:35,558,556, C>T. VCF-style: chr9-35558556-C-T. GRCh37 (hg19) VCF-style: chr9-35558553-C-T.
Other names: c.3330C>T, p.Leu1110= (NM_001135999.2); c.696C>T, p.Leu232= (NM_001330740.2).
Identifiers: ClinVar variation 1600958 (VCV001600958.10), dbSNP rs577097522, ClinGen allele CA5044112.

ClinVar aggregate classification (germline): Benign/Likely benign. Review status: criteria provided, multiple submitters, no conflicts (2 of 4 stars). 3 submissions from 3 submitters: Benign (1); Likely benign (2). Last evaluated 2026-09-01.

Allele frequency attached by ClinVar (database versions not stated): gnomAD 0.00007 and 0.00009; gnomAD exomes 0.00008 and 0.00021; TOPMed 0.00010; 1000 Genomes Project 30x 0.00016; 1000 Genomes Project 0.00020; ExAC 0.00021.
gnomAD v4.1: 130 of 1,613,692 alleles (0.0081%); highest among the groups gnomAD compares: East Asian, 0.24%; 1 homozygote.

Submissions (3):

CeGaT Center for Human Genetics Tuebingen
Classification: Likely benign. Last evaluated: 2026-09-01. Review status: criteria provided, single submitter. Criteria: CeGaT Center For Human Genetics Tuebingen Variant Classification Criteria Version 2. Collection method: clinical testing. Allele origin: germline. Affected: yes. Observed: 1 variant allele.
Comment: RUSC2: BP4, BP7

Labcorp Genetics (formerly Invitae), Labcorp
Classification: Benign. Last evaluated: 2025-03-11. Review status: criteria provided, single submitter. Criteria: Invitae Variant Classification Sherloc (09022015). Collection method: clinical testing. Allele origin: germline.

Blueprint Genetics
Classification: Likely benign. Last evaluated: 2024-08-16. Review status: criteria provided, single submitter. Criteria: ACMG Guidelines, 2015. Collection method: clinical testing. Allele origin: germline.